The following is an entry in ClinVar:

ClinVar aggregate classification (germline): Benign/Likely benign. Review status: criteria provided, multiple submitters, no conflicts (2 of 4 stars). 3 submissions from 2 submitters: Benign (2); Likely benign (1). Last evaluated 2018-01-12.

Conditions:
Retinitis pigmentosa (RP). Identifiers: Orphanet 791, MedGen C0035334, MeSH D012174, MONDO:0019200, OMIM 268000. Inheritance: Autosomal dominant, autosomal recessive and X linked inheritance.
Leber congenital amaurosis 4 (LCA4). Identifiers: MedGen C1858386, MONDO:0011458, OMIM 604393.

Allele frequency attached by ClinVar (database versions not stated): gnomAD 0.28038 and 0.28294; TOPMed 0.28259; 1000 Genomes Project 30x 0.28357; 1000 Genomes Project 0.28834; gnomAD exomes 0.32353.
gnomAD v4.1: 43,235 of 152,172 alleles (28%); highest among the groups gnomAD compares: South Asian, 36%; 6,263 homozygotes.

Submissions (3):

Illumina Laboratory Services, Illumina
Classification: Benign for Retinitis pigmentosa. Last evaluated: 2018-01-12. Review status: criteria provided, single submitter. Criteria: ICSL Variant Classification Criteria 13 December 2019. Collection method: clinical testing. Allele origin: germline.
Comment: This variant was observed in the ICSL laboratory as part of a predisposition screen in an ostensibly healthy population. It had not been previously curated by ICSL or reported in the Human Gene Mutation Database (HGMD: prior to June 1st, 2018), and was therefore a candidate for classification through an automated scoring system. Utilizing variant allele frequency, disease prevalence and penetrance estimates, and inheritance mode, an automated score was calculated to assess if this variant is too frequent to cause the disease. Based on the score and internal cut-off values, a variant classified as benign is not then subjected to further curation. The score for this variant resulted in a classification of benign for this disease.

Illumina Laboratory Services, Illumina
Classification: Benign for Leber congenital amaurosis 4. Last evaluated: 2018-01-12. Review status: criteria provided, single submitter. Criteria: ICSL Variant Classification Criteria 13 December 2019. Collection method: clinical testing. Allele origin: germline.
Comment: the same text as in the submission from Illumina Laboratory Services, Illumina above.

Breakthrough Genomics
Classification: Likely benign. Review status: criteria provided, single submitter. Criteria: ACMG Guidelines, 2015. Collection method: not provided. Allele origin: germline. Inheritance: Autosomal recessive inheritance. Affected: yes.

NM_014336.5(AIPL1):c.*1229C>T

Gene: AIPL1 (AIP like 1 HSP90 co-chaperone; minus strand). Cytogenetic location: 17p13.2.
Variant type: single nucleotide variant.
Coding change: c.*1229C>T on transcript NM_014336.5 (MANE Select); 1229 bases downstream of the stop codon, C replaced by T.
Molecular consequence: 3 prime UTR variant.
Genome position (GRCh38, 1-based): chr17:6,424,231, G>A on the plus strand (C>T on the coding strand, the complement: AIPL1 is on the minus strand). VCF-style: chr17-6424231-G-A. GRCh37 (hg19) VCF-style: chr17-6327551-G-A.
Other names: c.*1229C>T (NM_001033054.3, NM_001033055.3, NM_001285399.3 and 3 more transcripts).
Identifiers: ClinVar variation 324581 (VCV000324581.7), dbSNP rs907938, ClinGen allele CA10646477.
Genomic context (GRCh38, chr17:6,424,231, plus strand): 5'-CGGTGGAGCTTGGACACCAGACTAACTTGAAGATGAGCTAAAACAGGGGCGAGTGGAAGC[G>A]GCTTTCCCTAAGGCATGACCCCCAGGGTGCCATGTCAGTTTACCATTGCCGTGGCAACAC-3'